The following is an entry in ClinVar:

ClinVar aggregate classification (germline): Uncertain significance. Review status: criteria provided, multiple submitters, no conflicts (2 of 4 stars). 5 submissions from 5 submitters: Uncertain significance (5). Last evaluated 2025-10-08.

Conditions:
Cardiovascular phenotype. Identifiers: MedGen CN230736.
Hereditary cancer-predisposing syndrome. Also called: Hereditary neoplastic syndrome; Neoplastic Syndromes, Hereditary; Tumor predisposition; Hereditary Cancer Syndrome. Identifiers: Orphanet 140162, MedGen C0027672, MeSH D009386, MONDO:0015356.
Juvenile myelomonocytic leukemia (JMML). Also called: LEUKEMIA, JUVENILE MYELOMONOCYTIC, SOMATIC. Identifiers: Orphanet 86834, MedGen C0349639, MONDO:0011908, OMIM 607785, HP:0012209.
Neurofibromatosis-Noonan syndrome (NFNS). Also called: NEUROFIBROMATOSIS WITH NOONAN PHENOTYPE. Identifiers: Orphanet 638, MedGen C2931482, MONDO:0011035, OMIM 601321. Disease mechanism: loss of function.
Neurofibromatosis, familial spinal (FSNF). Identifiers: Orphanet 636, MedGen C1834235, MONDO:0008078, OMIM 162210. Disease mechanism: loss of function.
Neurofibromatosis, type 1 (NF1). Also called: VON RECKLINGHAUSEN DISEASE; Peripheral type neurofibromatosis; NEUROFIBROMATOSIS, TYPE I, SOMATIC; Neurofibromatosis, type I. Identifiers: Orphanet 636, MedGen C0027831, MONDO:0018975, OMIM 162200. Disease mechanism: loss of function.
Café-au-lait macules with pulmonary stenosis (WTSN). Also called: PULMONIC STENOSIS WITH CAFE-AU-LAIT SPOTS. Identifiers: MedGen C0553586, MONDO:0008672, OMIM 193520.

Allele frequency attached by ClinVar (database versions not stated): gnomAD exomes below 0.00001.

Submissions (5):

Labcorp Genetics (formerly Invitae), Labcorp
Classification: Uncertain significance for Neurofibromatosis, type 1. Last evaluated: 2025-10-08. Review status: criteria provided, single submitter. Criteria: Invitae Variant Classification Sherloc (09022015). Collection method: clinical testing. Allele origin: germline.
Comment: This sequence change replaces methionine, which is neutral and non-polar, with isoleucine, which is neutral and non-polar, at codon 1388 of the NF1 protein (p.Met1388Ile). This variant is not present in population databases (gnomAD no frequency). This variant has not been reported in the literature in individuals affected with NF1-related conditions. ClinVar contains an entry for this variant (Variation ID: 481977). Invitae Evidence Modeling of protein sequence and biophysical properties (such as structural, functional, and spatial information, amino acid conservation, physicochemical variation, residue mobility, and thermodynamic stability) indicates that this missense variant is not expected to disrupt NF1 protein function with a negative predictive value of 95%. This variant disrupts the p.Met1388 amino acid residue in NF1. Other variant(s) that disrupt this residue have been determined to be pathogenic (internal data). This suggests that this residue is clinically significant, and that variants that disrupt this residue are likely to be disease-causing. In summary, the available evidence is currently insufficient to determine the role of this variant in disease. Therefore, it has been classified as a Variant of Uncertain Significance.

Ambry Genetics
Classification: Uncertain significance for Cardiovascular phenotype; Hereditary cancer-predisposing syndrome. Last evaluated: 2024-09-15. Review status: criteria provided, single submitter. Criteria: Ambry Variant Classification Scheme 2023. Collection method: clinical testing. Allele origin: germline.
Comment: The p.M1388I variant (also known as c.4164G>A), located in coding exon 31 of the NF1 gene, results from a G to A substitution at nucleotide position 4164. The methionine at codon 1388 is replaced by isoleucine, an amino acid with highly similar properties. This variant was reported in 1/60,466 breast cancer cases and in 0/53,461 controls (Dorling et al. N Engl J Med. 2021 02;384:428-439). This amino acid position is highly conserved in available vertebrate species. In addition, this alteration is predicted to be deleterious by in silico analysis. Since supporting evidence is limited at this time, the clinical significance of this alteration remains unclear.

Department of Pathology and Laboratory Medicine, Sinai Health System
Classification: Uncertain significance for Neurofibromatosis, type 1; Neurofibromatosis, familial spinal; Café-au-lait macules with pulmonary stenosis; Neurofibromatosis-Noonan syndrome; Juvenile myelomonocytic leukemia. Last evaluated: 2022-10-14. Review status: criteria provided, single submitter. Criteria: ACMG Guidelines, 2015. Collection method: clinical testing. Allele origin: germline. Affected: no.

Genome-Nilou Lab
Classification: Uncertain significance for Neurofibromatosis, type 1. Last evaluated: 2022-03-15. Review status: criteria provided, single submitter. Criteria: ACMG Guidelines, 2015. Collection method: clinical testing. Allele origin: germline. Affected: no.

GeneDx
Classification: Uncertain significance. Last evaluated: 2020-02-25. Review status: criteria provided, single submitter. Criteria: GeneDx Variant Classification Process June 2021. Collection method: clinical testing. Allele origin: germline. Affected: yes.
Comment: Not observed in large population cohorts (Lek 2016); In silico analysis supports that this missense variant does not alter protein structure/function; Has not been previously published as pathogenic or benign to our knowledge

Literature cited by the submitters: PubMed 33471991 (cited by Ambry Genetics).

NM_001042492.3(NF1):c.4227G>A (p.Met1409Ile)

Gene: NF1 (neurofibromin 1; plus strand). Cytogenetic location: 17q11.2.
Variant type: single nucleotide variant.
Coding change: c.4227G>A on transcript NM_001042492.3 (MANE Select); coding-DNA position 4227, G replaced by A.
Protein change: p.Met1409Ile; replaces methionine 1409 with isoleucine.
Molecular consequence: missense variant.
Genome position (GRCh38, 1-based): chr17:31,258,397, G>A. VCF-style: chr17-31258397-G-A. GRCh37 (hg19) VCF-style: chr17-29585415-G-A.
Other names: c.4164G>A, p.Met1388Ile (NM_000267.4); short protein forms M1388I, M1409I.
Identifiers: ClinVar variation 481977 (VCV000481977.17), dbSNP rs786201895, ClinGen allele CA398997799.